The following is an entry in ClinVar:

NM_000042.3(APOH):c.461G>A (p.Arg154His)

Gene: APOH (apolipoprotein H; minus strand). Cytogenetic location: 17q24.2.
Variant type: single nucleotide variant.
Coding change: c.461G>A on transcript NM_000042.3 (MANE Select); coding-DNA position 461, G replaced by A.
Protein change: p.Arg154His; replaces arginine 154 with histidine.
Molecular consequence: missense variant.
Genome position (GRCh38, 1-based): chr17:66,220,697, C>T on the plus strand (G>A on the coding strand, the complement: APOH is on the minus strand). VCF-style: chr17-66220697-C-T. GRCh37 (hg19) VCF-style: chr17-64216815-C-T.
Other names: short protein forms R154H.
Identifiers: ClinVar variation 1239878 (VCV001239878.4), dbSNP rs8178847, ClinGen allele CA8720351.
Genomic context (GRCh38, chr17:66,220,697, plus strand): 5'-CATTCAAAAACTGCTGTGTCCCGATAGAGGGAATTGTTTCCAGCTGATGGCTTATAAACA[C>T]GAAGTGTTGCAAACGTAGGTATGGATGGTGGAGGGCAGATGATGGCTGGGAAAATAAAGA-3'
Protein context (NP_000033.2, residues 144-164): PPSIPTFATL[Arg154His]VYKPSAGNNS

ClinVar aggregate classification (germline): Benign. Review status: criteria provided, multiple submitters, no conflicts (2 of 4 stars). 2 submissions from 2 submitters: Benign (2). Last evaluated 2020-10-28.

Allele frequency attached by ClinVar (database versions not stated): gnomAD exomes 0.06419 and 0.06577; ExAC 0.06579; 1000 Genomes Project 30x 0.06949; TOPMed 0.07017; 1000 Genomes Project 0.07029; gnomAD 0.07348 and 0.07451; ESP Exome Variant Server 0.07358.

Submissions (2):

GeneDx
Classification: Benign. Last evaluated: 2020-10-28. Review status: criteria provided, single submitter. Criteria: GeneDx Variant Classification Process June 2021. Collection method: clinical testing. Allele origin: germline. Affected: yes.
Comment: This variant is associated with the following publications: (PMID: 25081279)

Breakthrough Genomics
Classification: Benign. Review status: criteria provided, single submitter. Criteria: ACMG Guidelines, 2015. Collection method: not provided. Allele origin: germline. Inheritance: Unknown mechanism. Affected: yes.